The following is an entry in ClinVar:

NM_000587.4(C7):c.2000G>A (p.Gly667Asp)

Gene: C7 (complement C7; plus strand). Cytogenetic location: 5p13.1.
Variant type: single nucleotide variant.
Coding change: c.2000G>A on transcript NM_000587.4 (MANE Select); coding-DNA position 2000, G replaced by A.
Protein change: p.Gly667Asp; replaces glycine 667 with aspartic acid.
Molecular consequence: missense variant.
Genome position (GRCh38, 1-based): chr5:40,972,520, G>A. VCF-style: chr5-40972520-G-A. GRCh37 (hg19) VCF-style: chr5-40972622-G-A.
Other names: short protein forms G667D.
Identifiers: ClinVar variation 1715747 (VCV001715747.5), dbSNP rs2478265394, ClinGen allele CA359593479.

ClinVar aggregate classification (germline): Uncertain significance (1 of 4 stars; one submission).

Submission:

Labcorp Genetics (formerly Invitae), Labcorp
Classification: Uncertain significance. Last evaluated: 2023-08-04. Review status: criteria provided, single submitter. Criteria: Invitae Variant Classification Sherloc (09022015). Collection method: clinical testing. Allele origin: germline.
Comment: In summary, the available evidence is currently insufficient to determine the role of this variant in disease. Therefore, it has been classified as a Variant of Uncertain Significance. Advanced modeling of protein sequence and biophysical properties (such as structural, functional, and spatial information, amino acid conservation, physicochemical variation, residue mobility, and thermodynamic stability) performed at Invitae indicates that this missense variant is expected to disrupt C7 protein function. ClinVar contains an entry for this variant (Variation ID: 1715747). This variant has not been reported in the literature in individuals affected with C7-related conditions. This variant is not present in population databases (gnomAD no frequency). This sequence change replaces glycine, which is neutral and non-polar, with aspartic acid, which is acidic and polar, at codon 667 of the C7 protein (p.Gly667Asp).